The following is an entry in ClinVar:

NM_003072.5(SMARCA4):c.987G>C (p.Gln329His)

Gene: SMARCA4 (SWI/SNF related BAF chromatin remodeling complex subunit ATPase 4; plus strand). Cytogenetic location: 19p13.2.
Variant type: single nucleotide variant.
Coding change: c.987G>C on transcript NM_003072.5 (MANE Select); coding-DNA position 987, G replaced by C.
Protein change: p.Gln329His; replaces glutamine 329 with histidine.
Molecular consequence: missense variant. On other transcripts: non-coding transcript variant (1).
Genome position (GRCh38, 1-based): chr19:10,987,793, G>C. VCF-style: chr19-10987793-G-C. GRCh37 (hg19) VCF-style: chr19-11098469-G-C.
Other names: c.987G>C, p.Gln329His (NM_001128844.3, NM_001128845.2, NM_001128846.2 and 6 more transcripts); short protein forms Q329H.
Identifiers: ClinVar variation 2700219 (VCV002700219.3), dbSNP rs1187772743, ClinGen allele CA404058582.

ClinVar aggregate classification (germline): Uncertain significance (1 of 4 stars; one submission).

Conditions:
Rhabdoid tumor predisposition syndrome 2 (RTPS2). Identifiers: Orphanet 231108, Orphanet 69077, MedGen C2750074, MONDO:0013224, OMIM 613325.

Allele frequency attached by ClinVar (database versions not stated): gnomAD exomes below 0.00001.
gnomAD v4.1: 2 of 1,602,292 alleles (0.00012%); highest among the groups gnomAD compares: Non-Finnish European, 0.000085%; no homozygotes.

Submission:

Labcorp Genetics (formerly Invitae), Labcorp
Classification: Uncertain significance for Rhabdoid tumor predisposition syndrome 2. Last evaluated: 2023-12-01. Review status: criteria provided, single submitter. Criteria: Invitae Variant Classification Sherloc (09022015). Collection method: clinical testing. Allele origin: germline.
Comment: This sequence change replaces glutamine, which is neutral and polar, with histidine, which is basic and polar, at codon 329 of the SMARCA4 protein (p.Gln329His). This variant is not present in population databases (gnomAD no frequency). This variant has not been reported in the literature in individuals affected with SMARCA4-related conditions. Advanced modeling of protein sequence and biophysical properties (such as structural, functional, and spatial information, amino acid conservation, physicochemical variation, residue mobility, and thermodynamic stability) performed at Invitae indicates that this missense variant is not expected to disrupt SMARCA4 protein function with a negative predictive value of 95%. In summary, the available evidence is currently insufficient to determine the role of this variant in disease. Therefore, it has been classified as a Variant of Uncertain Significance.